The following is an entry in ClinVar:

NM_000059.4(BRCA2):c.1283T>C (p.Leu428Pro)

Gene: BRCA2 (BRCA2 DNA repair associated; plus strand). Cytogenetic location: 13q13.1.
Variant type: single nucleotide variant.
Coding change: c.1283T>C on transcript NM_000059.4 (MANE Select); coding-DNA position 1283, T replaced by C.
Protein change: p.Leu428Pro; replaces leucine 428 with proline.
Molecular consequence: missense variant.
Genome position (GRCh38, 1-based): chr13:32,332,761, T>C. VCF-style: chr13-32332761-T-C. GRCh37 (hg19) VCF-style: chr13-32906898-T-C.
Other names: short protein forms L428P.
Identifiers: ClinVar variation 839827 (VCV000839827.11), dbSNP rs2072408424, ClinGen allele CA387762441.
Genomic context (GRCh38, chr13:32,332,761, plus strand): 5'-TGGAGAAAATACCCCTATTGCATATTTCTTCATGTGACCAAAATATTTCAGAAAAAGACC[T>C]ATTAGACACAGAGAACAAAAGAAAGAAAGATTTTCTTACTTCAGAGAATTCTTTGCCACG-3'
Protein context (NP_000050.3, residues 418-438): SCDQNISEKD[Leu428Pro]LDTENKRKKD

ClinVar aggregate classification (germline): Conflicting classifications of pathogenicity. Review status: criteria provided, conflicting classifications (1 of 4 stars). 2 submissions from 2 submitters: Uncertain significance (1); Likely benign (1). Last evaluated 2023-03-23.

Conditions:
Hereditary breast ovarian cancer syndrome. Also called: Hereditary breast and ovarian cancer syndrome (HBOC); Hereditary breast and ovarian cancer; Hereditary breast and/or ovarian cancer syndrome; Hereditary breast and ovarian cancer syndrome; Breast and ovarian cancer; BRCA1- and BRCA2-Associated Hereditary Breast and Ovarian Cancer. Identifiers: Orphanet 145, MedGen C0677776, MeSH D061325, MONDO:0003582. Disease mechanism: loss of function.
Hereditary cancer-predisposing syndrome. Also called: Neoplastic Syndromes, Hereditary; Tumor predisposition; Hereditary neoplastic syndrome; Hereditary Cancer Syndrome. Identifiers: Orphanet 140162, MedGen C0027672, MeSH D009386, MONDO:0015356.

Submissions (2):

University of Washington Department of Laboratory Medicine, University of Washington
Classification: Likely benign for Hereditary cancer-predisposing syndrome. Last evaluated: 2023-03-23. Review status: criteria provided, single submitter. Criteria: Dines et al. (Genet Med. 2020). Collection method: curation. Allele origin: germline.
Comment: Missense variant in a coldspot region where missense variants are very unlikely to be pathogenic (PMID:31911673).

BRCA2 exon 10 coldspot. Reclassification based on statistical prior probability.

Labcorp Genetics (formerly Invitae), Labcorp
Classification: Uncertain significance for Hereditary breast ovarian cancer syndrome. Last evaluated: 2019-03-30. Review status: criteria provided, single submitter. Criteria: Invitae Variant Classification Sherloc (09022015). Collection method: clinical testing. Allele origin: germline.
Comment: In summary, the available evidence is currently insufficient to determine the role of this variant in disease. Therefore, it has been classified as a Variant of Uncertain Significance. Algorithms developed to predict the effect of missense changes on protein structure and function (SIFT, PolyPhen-2, Align-GVGD) all suggest that this variant is likely to be tolerated, but these predictions have not been confirmed by published functional studies and their clinical significance is uncertain. This variant has not been reported in the literature in individuals with BRCA2-related conditions. This variant is not present in population databases (ExAC no frequency). This sequence change replaces leucine with proline at codon 428 of the BRCA2 protein (p.Leu428Pro). The leucine residue is weakly conserved and there is a moderate physicochemical difference between leucine and proline.